The following is an entry in ClinVar:

ClinVar aggregate classification (germline): Uncertain significance. Review status: criteria provided, multiple submitters, no conflicts (2 of 4 stars). 3 submissions from 3 submitters: Uncertain significance (3). Last evaluated 2025-07-29.

Conditions:
Bone mineral density quantitative trait locus 1 (BMND1). Identifiers: MedGen C1866079, OMIM 601884.
Exudative vitreoretinopathy 4 (EVR4). Identifiers: Orphanet 891, MedGen C1866176, MONDO:0011151, OMIM 601813.
Autosomal dominant osteopetrosis 1 (OPTA1). Also called: OSTEOPETROSIS, AUTOSOMAL DOMINANT, TYPE I. Identifiers: Orphanet 2783, MedGen C1843330, MONDO:0011877, OMIM 607634.
Osteoporosis with pseudoglioma (OPPG). Also called: osteoporosis-pseudoglioma syndrome. Identifiers: Orphanet 2788, MedGen C0432252, MONDO:0009820, OMIM 259770.
Polycystic liver disease 4 with or without kidney cysts. Identifiers: MedGen C4693479, MONDO:0044327, OMIM 617875.
Exudative vitreoretinopathy 1 (EVR1). Also called: FEVR, AUTOSOMAL DOMINANT; Familial exudative vitreoretinopathy, autosomal dominant; CRISWICK-SCHEPENS SYNDROME. Identifiers: Orphanet 891, Orphanet 90050, MedGen C1851402, MONDO:0007589, OMIM 133780.
Worth disease. Also called: Autosomal dominant osteosclerosis, Worth type; ENDOSTEAL HYPEROSTOSIS, AUTOSOMAL DOMINANT; OSTEOSCLEROSIS, AUTOSOMAL DOMINANT. Identifiers: Orphanet 2790, MedGen C0432273, MONDO:0007764, OMIM 144750.
Osteoporosis. Identifiers: MedGen C0029456, MONDO:0005298, OMIM 166710, HP:0000939.

gnomAD v4.1: 10 of 1,614,058 alleles (0.00062%); highest among the groups gnomAD compares: Non-Finnish European, 0.00076%; no homozygotes.

Submissions (3):

Labcorp Genetics (formerly Invitae), Labcorp
Classification: Uncertain significance. Last evaluated: 2025-07-29. Review status: criteria provided, single submitter. Criteria: Invitae Variant Classification Sherloc (09022015). Collection method: clinical testing. Allele origin: germline.
Comment: This sequence change replaces arginine, which is basic and polar, with leucine, which is neutral and non-polar, at codon 1036 of the LRP5 protein (p.Arg1036Leu). This variant is present in population databases (rs61889560, gnomAD 0.0009%). This variant has not been reported in the literature in individuals affected with LRP5-related conditions. ClinVar contains an entry for this variant (Variation ID: 1514510). Invitae Evidence Modeling of protein sequence and biophysical properties (such as structural, functional, and spatial information, amino acid conservation, physicochemical variation, residue mobility, and thermodynamic stability) has been performed for this missense variant. However, the output from this modeling did not meet the statistical confidence thresholds required to predict the impact of this variant on LRP5 protein function. In summary, the available evidence is currently insufficient to determine the role of this variant in disease. Therefore, it has been classified as a Variant of Uncertain Significance.

CeGaT Center for Human Genetics Tuebingen
Classification: Uncertain significance. Last evaluated: 2025-04-01. Review status: criteria provided, single submitter. Criteria: CeGaT Center For Human Genetics Tuebingen Variant Classification Criteria Version 2. Collection method: clinical testing. Allele origin: germline. Affected: yes. Observed: 1 variant allele.
Comment: LRP5: PM2

Fulgent Genetics
Classification: Uncertain significance for Exudative vitreoretinopathy 1; Worth disease; Osteoporosis; Osteoporosis with pseudoglioma; Exudative vitreoretinopathy 4; Bone mineral density quantitative trait locus 1; Autosomal dominant osteopetrosis 1; Polycystic liver disease 4 with or without kidney cysts. Last evaluated: 2022-03-22. Review status: criteria provided, single submitter. Criteria: ACMG Guidelines, 2015. Collection method: clinical testing. Allele origin: unknown.

NM_002335.4(LRP5):c.3107G>T (p.Arg1036Leu)

Gene: LRP5 (LDL receptor related protein 5; plus strand). Cytogenetic location: 11q13.2.
Variant type: single nucleotide variant.
Coding change: c.3107G>T on transcript NM_002335.4 (MANE Select); coding-DNA position 3107, G replaced by T.
Protein change: p.Arg1036Leu; replaces arginine 1036 with leucine.
Molecular consequence: missense variant.
Genome position (GRCh38, 1-based): chr11:68,423,568, G>T. VCF-style: chr11-68423568-G-T. GRCh37 (hg19) VCF-style: chr11-68191036-G-T.
Other names: c.1364G>T, p.Arg455Leu (NM_001291902.2); short protein forms R1036L, R455L.
Identifiers: ClinVar variation 1514510 (VCV001514510.14), dbSNP rs61889560, ClinGen allele CA6149851.
Genomic context (GRCh38, chr11:68,423,568, plus strand): 5'-TGAGCCAAGGCCAAAACCCAGACAGGCAGCCCCACGACCTCAGCATCGACATCTACAGCC[G>T]GACACTGTTCTGGACGTGCGAGGCCACCAATACCATCAACGTCCACAGGCTGAGCGGGGA-3'
Protein context (NP_002326.2, residues 1026-1046): PHDLSIDIYS[Arg1036Leu]TLFWTCEATN